The following is an entry in ClinVar:

NM_024426.6(WT1):c.42C>T (p.Val14=)

Genes: WT1 (WT1 transcription factor; minus strand), LOC107982234 (WT1/WT1-AS bi-directional promoter region; plus strand). Cytogenetic location: 11p13.
Variant type: single nucleotide variant.
Coding change: c.42C>T on transcript NM_024426.6 (MANE Select); coding-DNA position 42, C replaced by T.
Protein change: p.Val14=; no amino-acid change (valine 14 retained).
Molecular consequence: synonymous variant. On other transcripts: non-coding transcript variant (1).
Genome position (GRCh38, 1-based): chr11:32,435,319, G>A on the plus strand (C>T on the coding strand, the complement: WT1 is on the minus strand). VCF-style: chr11-32435319-G-A. GRCh37 (hg19) VCF-style: chr11-32456865-G-A.
Other names: c.42C>T, p.Val14= (NM_000378.6, NM_024424.5).
Identifiers: ClinVar variation 476695 (VCV000476695.13), dbSNP rs1343194102, ClinGen allele CA473773452.

ClinVar aggregate classification (germline): Likely benign. Review status: criteria provided, multiple submitters, no conflicts (2 of 4 stars). 3 submissions from 3 submitters: Likely benign (3). Last evaluated 2025-01-30.

Conditions:
Wilms tumor 1 (WT1). Also called: Wilms tumor, somatic. Identifiers: Orphanet 654, MedGen CN033288, MONDO:0008679, OMIM 194070.
Drash syndrome (DDS). Also called: NEPHROPATHY, WILMS TUMOR, AND GENITAL ANOMALIES; WILMS TUMOR AND PSEUDO- OR TRUE HERMAPHRODITISM. Identifiers: Orphanet 220, MedGen C0950121, MONDO:0008682, OMIM 194080.
11p partial monosomy syndrome (WAGR). Also called: WAGR Spectrum Disorder; CHROMOSOME 11p13 DELETION SYNDROME; WAGR syndrome; WAGR Complex. Identifiers: Orphanet 893, MedGen C0206115, MONDO:0008681, OMIM 194072.
Frasier syndrome. Identifiers: Orphanet 347, MedGen C0950122, MeSH D052159, MONDO:0007635, OMIM 136680.
Inborn genetic diseases. Identifiers: MedGen C0950123, MeSH D030342.

Submissions (3):

Ambry Genetics
Classification: Likely benign for Inborn genetic diseases. Last evaluated: 2025-01-30. Review status: criteria provided, single submitter. Criteria: Ambry Variant Classification Scheme 2023. Collection method: clinical testing. Allele origin: germline.

Labcorp Genetics (formerly Invitae), Labcorp
Classification: Likely benign for Wilms tumor 1; Drash syndrome; 11p partial monosomy syndrome; Frasier syndrome. Last evaluated: 2023-10-09. Review status: criteria provided, single submitter. Criteria: Invitae Variant Classification Sherloc (09022015). Collection method: clinical testing. Allele origin: germline.

All of Us Research Program, National Institutes of Health
Classification: Likely benign for Wilms tumor 1. Last evaluated: 2023-07-10. Review status: criteria provided, single submitter. Criteria: ACMG Guidelines, 2015. Collection method: clinical testing. Allele origin: germline. Inheritance: Autosomal dominant inheritance. Observed: 1 variant allele, 1 heterozygote.
Comment: This study involves interpretation of variants in research participants for the purpose of population health screening. Participant phenotype was not available at the time of variant classification. Additional details can be found in publication PMID: 35346344, PMCID: PMC8962531